The following is an entry in ClinVar:

ClinVar aggregate classification (germline): Pathogenic (1 of 4 stars; one submission).

Conditions:
Alstrom syndrome (ALMS). Identifiers: Orphanet 64, MedGen C0268425, MONDO:0008763, OMIM 203800.

Submission:

Labcorp Genetics (formerly Invitae), Labcorp
Classification: Pathogenic for Alstrom syndrome. Last evaluated: 2023-01-26. Review status: criteria provided, single submitter. Criteria: Invitae Variant Classification Sherloc (09022015). Collection method: clinical testing. Allele origin: germline.
Comment: For these reasons, this variant has been classified as Pathogenic. This variant has not been reported in the literature in individuals affected with ALMS1-related conditions. This variant is not present in population databases (gnomAD no frequency). This sequence change creates a premature translational stop signal (p.Phe1675Serfs*16) in the ALMS1 gene. It is expected to result in an absent or disrupted protein product. Loss-of-function variants in ALMS1 are known to be pathogenic (PMID: 17594715).

Literature cited by the submitters: PubMed 17594715.

NM_001378454.1(ALMS1):c.5021del (p.Phe1674fs)

Gene: ALMS1 (ALMS1 centrosome and basal body associated protein; plus strand). Cytogenetic location: 2p13.1.
Variant type: Deletion.
Coding change: c.5021del on transcript NM_001378454.1 (MANE Select); coding-DNA position 5021, one base deleted (T; older notation c.5021delT).
Protein change: p.Phe1674fs; shifts the reading frame from phenylalanine 1674.
Molecular consequence: frameshift variant.
Genome position (GRCh38, 1-based): chr2:73,451,548, T deleted; the last of 4 consecutive T bases (chr2:73,451,545-73,451,548); deleting any one gives the same sequence. VCF-style (leftmost placement, unchanged base first): chr2-73451544-AT-A. GRCh37 (hg19) VCF-style: chr2-73678671-AT-A.
Other names: c.5024del, p.Phe1675fs (NM_015120.4); short protein forms F1674fs, F1675fs.
Identifiers: ClinVar variation 2832088 (VCV002832088.3), dbSNP rs777273518, ClinGen allele CA2739271083.